The following is an entry in ClinVar:

NM_001127255.2(NLRP7):c.2444G>A (p.Arg815His)

Genes: NCR1 (natural cytotoxicity triggering receptor 1), NLRP7 (NLR family pyrin domain containing 7; minus strand). Cytogenetic location: 19q13.42.
Variant type: single nucleotide variant.
Coding change: c.2444G>A on transcript NM_001127255.2 (MANE Select); coding-DNA position 2444, G replaced by A.
Protein change: p.Arg815His; replaces arginine 815 with histidine.
Molecular consequence: missense variant.
Genome position (GRCh38, 1-based): chr19:54,934,516, C>T on the plus strand (G>A on the coding strand, the complement: NLRP7 is on the minus strand). VCF-style: chr19-54934516-C-T. GRCh37 (hg19) VCF-style: chr19-55445884-C-T.
Other names: c.2444G>A (NM_206828.3); c.2360G>A, p.Arg787His (NM_139176.4); c.2444G>A, p.Arg815His (NM_206828.4, NM_001405531.1); short protein forms R787H, R815H.
Identifiers: ClinVar variation 3025285 (VCV003025285.23), dbSNP rs150034626, ClinGen allele CA310011114.

ClinVar aggregate classification (germline): Likely benign. Review status: criteria provided, single submitter (1 of 4 stars). 2 submissions from 2 submitters: Likely benign (1). 1 of the submissions does not count toward it. Last evaluated 2024-02-01.

Conditions:
NLRP7-related disorder. Also called: NLRP7-related condition.

Allele frequency attached by ClinVar (database versions not stated): ExAC 0.00068; gnomAD 0.00164; TOPMed 0.00182; ESP Exome Variant Server 0.00231; 1000 Genomes Project 0.00240; 1000 Genomes Project 30x 0.00250.
gnomAD v4.1: 699 of 1,614,100 alleles (0.043%); highest among the groups gnomAD compares: African/African-American, 0.58%; 1 homozygote.

Submissions (2):

CeGaT Center for Human Genetics Tuebingen
Classification: Likely benign. Last evaluated: 2024-02-01. Review status: criteria provided, single submitter. Criteria: CeGaT Center For Human Genetics Tuebingen Variant Classification Criteria Version 2. Collection method: clinical testing. Allele origin: germline. Affected: yes. Observed: 1 variant allele.
Comment: NLRP7: BP4

PreventionGenetics, part of Exact Sciences
Classification: Likely benign for NLRP7-related condition. Last evaluated: 2019-10-28. Review status: no assertion criteria provided. Collection method: clinical testing. Allele origin: germline. Not counted in ClinVar's aggregate classification.
Comment: This variant is classified as likely benign based on ACMG/AMP sequence variant interpretation guidelines (Richards et al. 2015 PMID: 25741868, with internal and published modifications).